The following is an entry in ClinVar:

ClinVar aggregate classification (germline): Uncertain significance (1 of 4 stars; one submission).

Allele frequency attached by ClinVar (database versions not stated): gnomAD exomes below 0.00001; ExAC 0.00001.
gnomAD v4.1: 1 of 1,608,092 alleles (0.000062%); no homozygotes.

Submission:

GeneDx
Classification: Uncertain significance. Last evaluated: 2013-11-27. Review status: criteria provided, single submitter. Criteria: GeneDx Variant Classification (06012015). Collection method: clinical testing. Allele origin: germline. Affected: yes.
Comment: p.Ser365Cys (TCT>TGT): c.1094 C>G in exon 10 of the NEXN gene (NM_144573.3). The Ser365Cys variant in the NEXN gene has not been reported as a disease-causing mutation or as a benign polymorphism to our knowledge. The Ser365Cys variant is a non-conservative amino acid substitution as these residues differ in polarity, charge, size and/or other properties and is more likely to impact secondary structure. In silico analysis predicts Ser365Cys is probably damaging to the protein structure/function. In addition, the Ser365Cys variant was not observed in approximately 5,800 individuals of European and African American ancestry in the NHLBI Exome Sequencing Project, indicating it is not a common benign variant in these populations. Nevertheless, no mutations affecting nearby residues have been reported in association with cardiomyopathy, indicating this region of the protein may be tolerant of change. With the clinical and molecular information available at this time, we cannot definitively determine if Ser365Cys is a disease-causing mutation or a rare benign variant. The variant is found in DCM-CRDM panel(s).

NM_144573.4(NEXN):c.1094C>G (p.Ser365Cys)

Gene: NEXN (nexilin F-actin binding protein; plus strand). Cytogenetic location: 1p31.1.
Variant type: single nucleotide variant.
Coding change: c.1094C>G on transcript NM_144573.4 (MANE Select); coding-DNA position 1094, C replaced by G.
Protein change: p.Ser365Cys; replaces serine 365 with cysteine.
Molecular consequence: missense variant.
Genome position (GRCh38, 1-based): chr1:77,933,322, C>G. VCF-style: chr1-77933322-C-G. GRCh37 (hg19) VCF-style: chr1-78399007-C-G.
Other names: p.S365C:TCT>TGT; c.902C>G, p.Ser301Cys (NM_001172309.2); short protein forms S365C, S301C.
Identifiers: ClinVar variation 201922 (VCV000201922.2), dbSNP rs772491358, ClinGen allele CA335406.